The following is an entry in ClinVar:

NM_015335.5(MED13L):c.4616A>G (p.Gln1539Arg)

Gene: MED13L (mediator complex subunit 13L; minus strand). Cytogenetic location: 12q24.21.
Variant type: single nucleotide variant.
Coding change: c.4616A>G on transcript NM_015335.5 (MANE Select); coding-DNA position 4616, A replaced by G.
Protein change: p.Gln1539Arg; replaces glutamine 1539 with arginine.
Molecular consequence: missense variant.
Genome position (GRCh38, 1-based): chr12:115,983,456, T>C on the plus strand (A>G on the coding strand, the complement: MED13L is on the minus strand). VCF-style: chr12-115983456-T-C. GRCh37 (hg19) VCF-style: chr12-116421261-T-C.
Other names: short protein forms Q1539R.
Identifiers: ClinVar variation 2908958 (VCV002908958.3), dbSNP rs766312873, ClinGen allele CA6810765.
Genomic context (GRCh38, chr12:115,983,456, plus strand): 5'-CCAGCTGGGGGAGCTGCTGATCCATTTGGAGCTAAGGGCCCAGCATTCCCTGGCGTAGCT[T>C]GTCCCTGTGCTGCTGCTGGTGGGGTCTGGTATTTAGGTGGTATCAATAGGCTGCTATCAA-3'
Protein context (NP_056150.1, residues 1529-1549): YQTPPAAAQG[Gln1539Arg]ATPGNAGPLA

ClinVar aggregate classification (germline): Uncertain significance (1 of 4 stars; one submission).

Conditions:
Dextro-looped transposition of the great arteries. Also called: Dextrotransposition of the great arteries. Identifiers: Orphanet 860, MedGen C3531771, MONDO:0019443, OMIM 608808, HP:0031348.

Allele frequency attached by ClinVar (database versions not stated): gnomAD exomes below 0.00001; ExAC 0.00001.
gnomAD v4.1: 6 of 1,614,204 alleles (0.00037%); highest among the groups gnomAD compares: Non-Finnish European, 0.00051%; no homozygotes.

Submission:

Labcorp Genetics (formerly Invitae), Labcorp
Classification: Uncertain significance for Dextro-looped transposition of the great arteries. Last evaluated: 2025-06-29. Review status: criteria provided, single submitter. Criteria: Invitae Variant Classification Sherloc (09022015). Collection method: clinical testing. Allele origin: germline.
Comment: This sequence change replaces glutamine, which is neutral and polar, with arginine, which is basic and polar, at codon 1539 of the MED13L protein (p.Gln1539Arg). This variant is present in population databases (rs766312873, gnomAD 0.002%). This variant has not been reported in the literature in individuals affected with MED13L-related conditions. ClinVar contains an entry for this variant (Variation ID: 2908958). Invitae Evidence Modeling of protein sequence and biophysical properties (such as structural, functional, and spatial information, amino acid conservation, physicochemical variation, residue mobility, and thermodynamic stability) indicates that this missense variant is not expected to disrupt MED13L protein function with a negative predictive value of 80%. In summary, the available evidence is currently insufficient to determine the role of this variant in disease. Therefore, it has been classified as a Variant of Uncertain Significance.